The following is an entry in ClinVar:

ClinVar aggregate classification (germline): Uncertain significance (1 of 4 stars; one submission).

Conditions:
GNAS-related disorder. Identifiers: MedGen CN380105.

Submission:

PreventionGenetics, part of Exact Sciences
Classification: Uncertain significance for GNAS-related condition. Last evaluated: 2026-09-26. Review status: criteria provided, single submitter. Criteria: ACMG Guidelines, 2015. Collection method: clinical testing. Allele origin: germline.
Comment: The GNAS c.688T>A variant is predicted to result in the amino acid substitution p.Ser230Thr. To our knowledge, this variant has not been reported in the literature or in a large population database (gnomAD), indicating this variant is rare. At this time, the clinical significance of this variant is uncertain due to the absence of conclusive functional and genetic evidence.

NM_016592.5(GNAS):c.688T>A (p.Ser230Thr)

Genes: GNAS (GNAS complex locus; plus strand), GNAS-AS1 (GNAS antisense RNA 1; minus strand). Cytogenetic location: 20q13.32.
Variant type: single nucleotide variant.
Coding change: c.688T>A on transcript NM_016592.5 (MANE Plus Clinical); coding-DNA position 688, T replaced by A.
Protein change: p.Ser230Thr; replaces serine 230 with threonine.
Molecular consequence: missense variant. On other transcripts: 5 prime UTR variant (1).
Genome position (GRCh38, 1-based): chr20:58,840,794, T>A. VCF-style: chr20-58840794-T-A. GRCh37 (hg19) VCF-style: chr20-57415849-T-A.
Other names: c.-50T>A (NM_001410912.1); short protein forms S230T.
Identifiers: ClinVar variation 4982589 (VCV004982589.1).
Genomic context (GRCh38, chr20:58,840,794, plus strand): 5'-CCCAAGGAGGAGAAGCAGCGGCGTCGCTGCAAGCCAAAGAAGCCCACCCGCCGTGACGCG[T>A]CCCCGGAGTCCCCTTCCAAAAAGGGACCCATCCCCATCCGGCGTCACTAATGGAGGACGC-3'
Protein context (NP_057676.1, residues 220-240): KPKKPTRRDA[Ser230Thr]PESPSKKGPI